The following is an entry in ClinVar:

NM_001364905.1(LRBA):c.5031T>C (p.Asn1677=)

Gene: LRBA (LPS responsive beige-like anchor protein; minus strand). Cytogenetic location: 4q31.3.
Variant type: single nucleotide variant.
Coding change: c.5031T>C on transcript NM_001364905.1 (MANE Select); coding-DNA position 5031, T replaced by C.
Protein change: p.Asn1677=; no amino-acid change (asparagine 1677 retained).
Molecular consequence: synonymous variant.
Genome position (GRCh38, 1-based): chr4:150,828,320, A>G on the plus strand (T>C on the coding strand, the complement: LRBA is on the minus strand). VCF-style: chr4-150828320-A-G. GRCh37 (hg19) VCF-style: chr4-151749472-A-G.
Other names: c.5031T>C, p.Asn1677= (NM_001367550.1, NM_006726.5, NM_001199282.3).
Identifiers: ClinVar variation 779636 (VCV000779636.14), dbSNP rs114738831, ClinGen allele CA3102595.

ClinVar aggregate classification (germline): Benign/Likely benign. Review status: criteria provided, multiple submitters, no conflicts (2 of 4 stars). 3 submissions from 3 submitters: Benign (1); Likely benign (1). 1 of the submissions does not count toward it. Last evaluated 2026-01-25.

Conditions:
LRBA-related disorder. Also called: LRBA-related condition.
Combined immunodeficiency due to LRBA deficiency. Also called: Common variable immunodeficiency 8, with autoimmunity. Identifiers: Orphanet 445018, MedGen C3553512, MONDO:0013863, OMIM 614700.

Allele frequency attached by ClinVar (database versions not stated): gnomAD exomes 0.00015 and 0.00041; ExAC 0.00056; TOPMed 0.00177; ESP Exome Variant Server 0.00185; gnomAD 0.00185 and 0.00197; 1000 Genomes Project 0.00200; 1000 Genomes Project 30x 0.00234.
gnomAD v4.1: 507 of 1,614,132 alleles (0.031%); highest among the groups gnomAD compares: African/African-American, 0.62%; 2 homozygotes.

Submissions (3):

Labcorp Genetics (formerly Invitae), Labcorp
Classification: Benign for Combined immunodeficiency due to LRBA deficiency. Last evaluated: 2026-01-25. Review status: criteria provided, single submitter. Criteria: Invitae Variant Classification Sherloc (09022015). Collection method: clinical testing. Allele origin: germline.

Blueprint Genetics
Classification: Likely benign. Last evaluated: 2024-06-11. Review status: criteria provided, single submitter. Criteria: ACMG Guidelines, 2015. Collection method: clinical testing. Allele origin: germline.

PreventionGenetics, part of Exact Sciences
Classification: Likely benign for LRBA-related condition. Last evaluated: 2019-06-25. Review status: no assertion criteria provided. Collection method: clinical testing. Allele origin: germline. Not counted in ClinVar's aggregate classification.
Comment: This variant is classified as likely benign based on ACMG/AMP sequence variant interpretation guidelines (Richards et al. 2015 PMID: 25741868, with internal and published modifications).